The following is an entry in ClinVar:

ClinVar aggregate classification (germline): Benign. Review status: criteria provided, multiple submitters, no conflicts (2 of 4 stars). 2 submissions from 2 submitters: Benign (2). Last evaluated 2026-02-01.

Allele frequency attached by ClinVar (database versions not stated): gnomAD exomes 0.00021 and 0.00071; ExAC 0.00091; 1000 Genomes Project 30x 0.00219; 1000 Genomes Project 0.00240; gnomAD 0.00285 and 0.00311; TOPMed 0.00329; ESP Exome Variant Server 0.00354.
gnomAD v4.1: 772 of 1,572,676 alleles (0.049%); highest among the groups gnomAD compares: African/African-American, 0.9%; 4 homozygotes.

Submissions (2):

Labcorp Genetics (formerly Invitae), Labcorp
Classification: Benign. Last evaluated: 2026-02-01. Review status: criteria provided, single submitter. Criteria: Invitae Variant Classification Sherloc (09022015). Collection method: clinical testing. Allele origin: germline.

GeneDx
Classification: Benign. Last evaluated: 2013-10-28. Review status: criteria provided, single submitter. Criteria: GeneDx Variant Classification (06012015). Collection method: clinical testing. Allele origin: germline. Affected: yes.
Comment: This variant is considered likely benign or benign based on one or more of the following criteria: it is a conservative change, it occurs at a poorly conserved position in the protein, it is predicted to be benign by multiple in silico algorithms, and/or has population frequency not consistent with disease.

NM_033109.5(PNPT1):c.566-6T>C

Gene: PNPT1 (polyribonucleotide nucleotidyltransferase 1; minus strand). Cytogenetic location: 2p16.1.
Variant type: single nucleotide variant.
Coding change: c.566-6T>C on transcript NM_033109.5 (MANE Select); 6 bases into the intron before coding-DNA position 566, T replaced by C.
Molecular consequence: intron variant.
Genome position (GRCh38, 1-based): chr2:55,679,801, A>G on the plus strand (T>C on the coding strand, the complement: PNPT1 is on the minus strand). VCF-style: chr2-55679801-A-G. GRCh37 (hg19) VCF-style: chr2-55906936-A-G.
Identifiers: ClinVar variation 138734 (VCV000138734.12), dbSNP rs190658831, ClinGen allele CA292816.